The following is an entry in ClinVar:

ClinVar aggregate classification (germline): Uncertain significance. Review status: criteria provided, multiple submitters, no conflicts (2 of 4 stars). 2 submissions from 2 submitters: Uncertain significance (2). Last evaluated 2025-09-19.

Conditions:
Hereditary cancer-predisposing syndrome. Also called: Neoplastic Syndromes, Hereditary; Hereditary Cancer Syndrome; Hereditary neoplastic syndrome; Tumor predisposition. Identifiers: Orphanet 140162, MedGen C0027672, MeSH D009386, MONDO:0015356.

Allele frequency attached by ClinVar (database versions not stated): gnomAD exomes below 0.00001.
gnomAD v4.1: 1 of 1,611,514 alleles (0.000062%); highest among the groups gnomAD compares: African/African-American, 0.0013%; no homozygotes.

Submissions (2):

Ambry Genetics
Classification: Uncertain significance for Hereditary cancer-predisposing syndrome. Last evaluated: 2025-09-19. Review status: criteria provided, single submitter. Criteria: Ambry Variant Classification Scheme 2023. Collection method: clinical testing. Allele origin: germline.
Comment: The p.D627N variant (also known as c.1879G>A), located in coding exon 12 of the RAD50 gene, results from a G to A substitution at nucleotide position 1879. The aspartic acid at codon 627 is replaced by asparagine, an amino acid with highly similar properties. This amino acid position is conserved. In addition, this alteration is predicted to be tolerated by in silico analysis. Since supporting evidence is limited at this time, the clinical significance of this alteration remains unclear.

Labcorp Genetics (formerly Invitae), Labcorp
Classification: Uncertain significance for Hereditary cancer-predisposing syndrome. Last evaluated: 2023-08-09. Review status: criteria provided, single submitter. Criteria: Invitae Variant Classification Sherloc (09022015). Collection method: clinical testing. Allele origin: germline.
Comment: This variant is not present in population databases (gnomAD no frequency). In summary, the available evidence is currently insufficient to determine the role of this variant in disease. Therefore, it has been classified as a Variant of Uncertain Significance. Advanced modeling of protein sequence and biophysical properties (such as structural, functional, and spatial information, amino acid conservation, physicochemical variation, residue mobility, and thermodynamic stability) performed at Invitae indicates that this missense variant is not expected to disrupt RAD50 protein function. ClinVar contains an entry for this variant (Variation ID: 2565948). This variant has not been reported in the literature in individuals affected with RAD50-related conditions. This sequence change replaces aspartic acid, which is acidic and polar, with asparagine, which is neutral and polar, at codon 627 of the RAD50 protein (p.Asp627Asn).

NM_005732.4(RAD50):c.1879G>A (p.Asp627Asn)

Gene: RAD50 (RAD50 double strand break repair protein; plus strand). Cytogenetic location: 5q31.1.
Variant type: single nucleotide variant.
Coding change: c.1879G>A on transcript NM_005732.4 (MANE Select); coding-DNA position 1879, G replaced by A.
Protein change: p.Asp627Asn; replaces aspartic acid 627 with asparagine.
Molecular consequence: missense variant.
Genome position (GRCh38, 1-based): chr5:132,594,954, G>A. VCF-style: chr5-132594954-G-A. GRCh37 (hg19) VCF-style: chr5-131930646-G-A.
Other names: short protein forms D627N.
Identifiers: ClinVar variation 2565948 (VCV002565948.6), dbSNP rs2479649926, ClinGen allele CA360947951.